The following is an entry in ClinVar:

NM_001754.5(RUNX1):c.772G>T (p.Ala258Ser)

Gene: RUNX1 (RUNX family transcription factor 1; minus strand). Cytogenetic location: 21q22.12.
Variant type: single nucleotide variant.
Coding change: c.772G>T on transcript NM_001754.5 (MANE Select); coding-DNA position 772, G replaced by T.
Protein change: p.Ala258Ser; replaces alanine 258 with serine.
Molecular consequence: missense variant.
Genome position (GRCh38, 1-based): chr21:34,834,443, C>A on the plus strand (G>T on the coding strand, the complement: RUNX1 is on the minus strand). VCF-style: chr21-34834443-C-A. GRCh37 (hg19) VCF-style: chr21-36206740-C-A.
Other names: NM_001754.5(RUNX1):c.772G>T; p.Ala258Ser; c.691G>T, p.Ala231Ser (NM_001001890.3, NM_001122607.2); short protein forms A258S, A231S.
Identifiers: ClinVar variation 1508015 (VCV001508015.8), dbSNP rs2146074844, ClinGen allele CA410206723.

ClinVar aggregate classification (germline): Uncertain significance. Review status: reviewed by expert panel (3 of 4 stars). 2 submissions from 2 submitters: Uncertain significance (1). 1 of the submissions does not count toward it. Last evaluated 2025-01-15.

Conditions:
Hereditary thrombocytopenia and hematologic cancer predisposition syndrome. Identifiers: Orphanet 71290, MedGen CN281654, MONDO:0011071.
Hereditary thrombocytopenia and hematological cancer predisposition syndrome associated with RUNX1. Also called: RUNX1 Familial Platelet Disorder with Associated Myeloid Malignancies; Familial Platelet Disorder with Propensity to Acute Myelogenous Leukemia; Familial thrombocytopenia with propensity to acute myelogenous leukemia; PLATELET DISORDER, ASPIRIN-LIKE. Identifiers: Orphanet 71290, MedGen C1832388, MeSH C563324, MONDO:0100083, OMIM 601399.

Submissions (2):

ClinGen Myeloid Malignancy Variant Curation Expert Panel
Classification: Uncertain significance for Hereditary thrombocytopenia and hematologic cancer predisposition syndrome. Last evaluated: 2025-01-15. Review status: reviewed by expert panel. Criteria: ClinGen MyeloMalig ACMG Specifications v2. Collection method: curation. Allele origin: germline. Inheritance: Autosomal dominant inheritance.
Comment: NM_001754.5(RUNX1):c.772G>T (p.Ala258Ser) is a missense variant which has a REVEL score < 0.50 (0.294), and a SpliceAI score ≤ 0.20 (0.03) (BP4). This variant is completely absent from all population databases with at least 20x coverage for RUNX1 (PM2_Supporting). In summary, the clinical significance of this variant is uncertain. ACMG/AMP criteria applied, as specified by the Myeloid Malignancy Variant Curation Expert Panel for RUNX1: PM2_supporting, BP4.

Labcorp Genetics (formerly Invitae), Labcorp
Classification: Uncertain significance for Hereditary thrombocytopenia and hematological cancer predisposition syndrome associated with RUNX1. Last evaluated: 2021-12-09. Review status: criteria provided, single submitter. Criteria: Invitae Variant Classification Sherloc (09022015). Collection method: clinical testing. Allele origin: germline. Not counted in ClinVar's aggregate classification.
Comment: In summary, the available evidence is currently insufficient to determine the role of this variant in disease. Therefore, it has been classified as a Variant of Uncertain Significance. Algorithms developed to predict the effect of missense changes on protein structure and function (SIFT, PolyPhen-2, Align-GVGD) all suggest that this variant is likely to be tolerated. This variant has not been reported in the literature in individuals affected with RUNX1-related conditions. This variant is not present in population databases (gnomAD no frequency). This sequence change replaces alanine, which is neutral and non-polar, with serine, which is neutral and polar, at codon 258 of the RUNX1 protein (p.Ala258Ser).